The following is an entry in ClinVar:

ClinVar aggregate classification (germline): Uncertain significance (1 of 4 stars; one submission).

Allele frequency attached by ClinVar (database versions not stated): gnomAD exomes below 0.00001; ExAC 0.00001; TOPMed 0.00002; gnomAD 0.00003 and 0.00004.

Submission:

Labcorp Genetics (formerly Invitae), Labcorp
Classification: Uncertain significance. Last evaluated: 2025-12-24. Review status: criteria provided, single submitter. Criteria: Invitae Variant Classification Sherloc (09022015). Collection method: clinical testing. Allele origin: germline.
Comment: This sequence change replaces methionine, which is neutral and non-polar, with leucine, which is neutral and non-polar, at codon 75 of the ELOVL4 protein (p.Met75Leu). This variant is present in population databases (rs757345615, gnomAD 0.008%). This variant has not been reported in the literature in individuals affected with ELOVL4-related conditions. ClinVar contains an entry for this variant (Variation ID: 1006451). Invitae Evidence Modeling of protein sequence and biophysical properties (such as structural, functional, and spatial information, amino acid conservation, physicochemical variation, residue mobility, and thermodynamic stability) indicates that this missense variant is not expected to disrupt ELOVL4 protein function with a negative predictive value of 80%. In summary, the available evidence is currently insufficient to determine the role of this variant in disease. Therefore, it has been classified as a Variant of Uncertain Significance.

NM_022726.4(ELOVL4):c.223A>T (p.Met75Leu)

Gene: ELOVL4 (ELOVL fatty acid elongase 4; minus strand). Cytogenetic location: 6q14.1.
Variant type: single nucleotide variant.
Coding change: c.223A>T on transcript NM_022726.4 (MANE Select); coding-DNA position 223, A replaced by T.
Protein change: p.Met75Leu; replaces methionine 75 with leucine.
Molecular consequence: missense variant.
Genome position (GRCh38, 1-based): chr6:79,926,259, T>A on the plus strand (A>T on the coding strand, the complement: ELOVL4 is on the minus strand). VCF-style: chr6-79926259-T-A. GRCh37 (hg19) VCF-style: chr6-80635976-T-A.
Other names: short protein forms M75L.
Identifiers: ClinVar variation 1006451 (VCV001006451.8), dbSNP rs757345615, ClinGen allele CA3901592.